The following is an entry in ClinVar:

ClinVar aggregate classification (germline): Uncertain significance (1 of 4 stars; one submission).

Conditions:
Stormorken syndrome (STRMK). Also called: THROMBOCYTOPATHY, ASPLENIA, AND MIOSIS. Identifiers: Orphanet 3204, MedGen C1861451, MONDO:0008497, OMIM 185070.
Myopathy with tubular aggregates (TAM). Also called: Tubular Aggregate Myopathy. Identifiers: Orphanet 2593, MedGen C0410207, MONDO:0008051.
Combined immunodeficiency due to STIM1 deficiency. Also called: STIM1 DEFICIENCY; IMMUNODEFICIENCY 10. Identifiers: Orphanet 169090, Orphanet 317430, MedGen C2748557, MONDO:0013008, OMIM 612783.

Submission:

Labcorp Genetics (formerly Invitae), Labcorp
Classification: Uncertain significance for Myopathy with tubular aggregates; Combined immunodeficiency due to STIM1 deficiency; Stormorken syndrome. Last evaluated: 2024-02-07. Review status: criteria provided, single submitter. Criteria: Invitae Variant Classification Sherloc (09022015). Collection method: clinical testing. Allele origin: germline.
Comment: This sequence change replaces glycine, which is neutral and non-polar, with alanine, which is neutral and non-polar, at codon 176 of the STIM1 protein (p.Gly176Ala). This variant is not present in population databases (gnomAD no frequency). This variant has not been reported in the literature in individuals affected with STIM1-related conditions. Advanced modeling of protein sequence and biophysical properties (such as structural, functional, and spatial information, amino acid conservation, physicochemical variation, residue mobility, and thermodynamic stability) has been performed at Invitae for this missense variant, however the output from this modeling did not meet the statistical confidence thresholds required to predict the impact of this variant on STIM1 protein function. In summary, the available evidence is currently insufficient to determine the role of this variant in disease. Therefore, it has been classified as a Variant of Uncertain Significance.

NM_001382567.1(STIM1):c.527G>C (p.Gly176Ala)

Gene: STIM1 (stromal interaction molecule 1; plus strand). Cytogenetic location: 11p15.4.
Variant type: single nucleotide variant.
Coding change: c.527G>C on transcript NM_001382567.1 (MANE Select); coding-DNA position 527, G replaced by C.
Protein change: p.Gly176Ala; replaces glycine 176 with alanine.
Molecular consequence: missense variant. On other transcripts: non-coding transcript variant (3), intron variant (1).
Genome position (GRCh38, 1-based): chr11:4,059,310, G>C. VCF-style: chr11-4059310-G-C. GRCh37 (hg19) VCF-style: chr11-4080540-G-C.
Other names: c.527G>C, p.Gly176Ala (NM_001277961.3, NM_001277962.2, NM_001382568.1 and 2 more transcripts); c.305G>C, p.Gly102Ala (NM_001382566.1, NM_001382573.1, NM_001382574.1 and 5 more transcripts); c.392G>C, p.Gly131Ala (NM_001382569.1); c.47G>C, p.Gly16Ala (NM_001382571.1); c.38G>C, p.Gly13Ala (NM_001382580.1, NM_001382581.1); c.386-10716G>C (NM_001382570.1); short protein forms G102A, G131A, G13A, G16A, G176A.
Identifiers: ClinVar variation 3754494 (VCV003754494.2).
Genomic context (GRCh38, chr11:4,059,310, plus strand): 5'-GGAACTGATCTGCTACTCTTTGCCTCAACAGGCTGGCTGTCACCAACACCACCATGACAG[G>C]GACTGTGCTGAAGATGACAGACCGGAGTCATCGGCAGAAGCTGCAGCTGAAGGCTCTGGA-3'
Protein context (NP_001369496.1, residues 166-186): RLAVTNTTMT[Gly176Ala]TVLKMTDRSH